The following is an entry in ClinVar:

ClinVar aggregate classification (germline): Uncertain significance. Review status: criteria provided, multiple submitters, no conflicts (2 of 4 stars). 2 submissions from 2 submitters: Uncertain significance (2). Last evaluated 2025-05-08.

Conditions:
CREBBP-related disorder. Also called: CREBBP-related condition; CREBBP-related disorders.

Submissions (2):

PreventionGenetics, part of Exact Sciences
Classification: Uncertain significance for CREBBP-related condition. Last evaluated: 2025-05-08. Review status: criteria provided, single submitter. Criteria: ACMG Guidelines, 2015. Collection method: clinical testing. Allele origin: germline.
Comment: The CREBBP c.1879G>A variant is predicted to result in the amino acid substitution p.Glu627Lys. To our knowledge, this variant has not been reported in the literature or in a large population database (gnomAD), indicating this variant is rare. At this time, the clinical significance of this variant is uncertain due to the absence of conclusive functional and genetic evidence.

GeneDx
Classification: Uncertain significance. Last evaluated: 2024-08-25. Review status: criteria provided, single submitter. Criteria: GeneDx Variant Classification Process June 2021. Collection method: clinical testing. Allele origin: germline.
Comment: Not observed at significant frequency in large population cohorts (gnomAD); In silico analysis supports that this missense variant has a deleterious effect on protein structure/function; Has not been previously published as pathogenic or benign to our knowledge

NM_004380.3(CREBBP):c.1879G>A (p.Glu627Lys)

Gene: CREBBP (CREB binding lysine acetyltransferase; minus strand). Cytogenetic location: 16p13.3.
Variant type: single nucleotide variant.
Coding change: c.1879G>A on transcript NM_004380.3 (MANE Select); coding-DNA position 1879, G replaced by A.
Protein change: p.Glu627Lys; replaces glutamic acid 627 with lysine.
Molecular consequence: missense variant.
Genome position (GRCh38, 1-based): chr16:3,778,762, C>T on the plus strand (G>A on the coding strand, the complement: CREBBP is on the minus strand). VCF-style: chr16-3778762-C-T. GRCh37 (hg19) VCF-style: chr16-3828763-C-T.
Other names: c.1765G>A, p.Glu589Lys (NM_001079846.1); short protein forms E589K, E627K.
Identifiers: ClinVar variation 1698138 (VCV001698138.4), dbSNP rs2141237713, ClinGen allele CA394555359.